The following is an entry in ClinVar:

ClinVar aggregate classification (germline): Uncertain significance (1 of 4 stars; one submission).

Conditions:
Autosomal recessive limb-girdle muscular dystrophy type 2J (LGMDR10). Also called: Limb-girdle muscular dystrophy, type 2J; MUSCULAR DYSTROPHY, LIMB-GIRDLE, AUTOSOMAL RECESSIVE 10. Identifiers: Orphanet 140922, MedGen C1837342, MONDO:0012127, OMIM 608807.
Dilated cardiomyopathy 1G (CMD1G). Identifiers: Orphanet 154, MedGen C1858763, MONDO:0011400, OMIM 604145.

gnomAD v4.1: 9 of 1,610,392 alleles (0.00056%); highest among the groups gnomAD compares: Non-Finnish European, 0.00051%; no homozygotes.

Submission:

Labcorp Genetics (formerly Invitae), Labcorp
Classification: Uncertain significance for Dilated cardiomyopathy 1G; Autosomal recessive limb-girdle muscular dystrophy type 2J. Last evaluated: 2024-03-09. Review status: criteria provided, single submitter. Criteria: Invitae Variant Classification Sherloc (09022015). Collection method: clinical testing. Allele origin: germline.
Comment: This sequence change replaces alanine, which is neutral and non-polar, with threonine, which is neutral and polar, at codon 18988 of the TTN protein (p.Ala18988Thr). This variant also falls at the last nucleotide of exon 291, which is part of the consensus splice site for this exon. This variant is present in population databases (rs773382779, gnomAD 0.004%). This variant has not been reported in the literature in individuals affected with TTN-related conditions. Experimental studies and prediction algorithms are not available or were not evaluated, and the functional significance of this variant is currently unknown. Variants that disrupt the consensus splice site are a relatively common cause of aberrant splicing (PMID: 17576681, 9536098). Algorithms developed to predict the effect of sequence changes on RNA splicing suggest that this variant may disrupt the consensus splice site. This variant is located in the A band of TTN (PMID: 25589632). Variants in this region may be relevant for cardiac or neuromuscular disorders (PMID: 25589632, 23975875). In summary, the available evidence is currently insufficient to determine the role of this variant in disease. Therefore, it has been classified as a Variant of Uncertain Significance.

Literature cited by the submitters: PubMed 17576681; PubMed 9536098; PubMed 25589632; PubMed 23975875.

NM_001267550.2(TTN):c.56962G>A (p.Ala18988Thr)

Genes: TTN-AS1 (TTN antisense RNA 1; plus strand), TTN (titin; minus strand). Cytogenetic location: 2q31.2.
Variant type: single nucleotide variant.
Coding change: c.56962G>A on transcript NM_001267550.2 (MANE Select); coding-DNA position 56962, G replaced by A.
Protein change: p.Ala18988Thr; replaces alanine 18988 with threonine.
Molecular consequence: missense variant.
Genome position (GRCh38, 1-based): chr2:178,598,748, C>T on the plus strand (G>A on the coding strand, the complement: TTN is on the minus strand). VCF-style: chr2-178598748-C-T. GRCh37 (hg19) VCF-style: chr2-179463475-C-T.
Other names: c.52039G>A, p.Ala17347Thr (NM_001256850.1); c.29767G>A, p.Ala9923Thr (NM_003319.4); c.49258G>A, p.Ala16420Thr (NM_133378.4); c.30142G>A, p.Ala10048Thr (NM_133432.3); c.30343G>A, p.Ala10115Thr (NM_133437.4); short protein forms A10048T, A10115T, A16420T, A17347T, A18988T, A9923T.
Identifiers: ClinVar variation 3760646 (VCV003760646.2).